The following is an entry in ClinVar:

ClinVar aggregate classification (germline): Pathogenic (1 of 4 stars; one submission).

Conditions:
Baller-Gerold syndrome (BGS). Also called: CRANIOSYNOSTOSIS WITH RADIAL DEFECTS. Identifiers: Orphanet 1225, MedGen C0265308, MONDO:0009039, OMIM 218600.

Submission:

Labcorp Genetics (formerly Invitae), Labcorp
Classification: Pathogenic for Baller-Gerold syndrome. Last evaluated: 2024-04-30. Review status: criteria provided, single submitter. Criteria: Invitae Variant Classification Sherloc (09022015). Collection method: clinical testing. Allele origin: germline.
Comment: This sequence change creates a premature translational stop signal (p.Ser1097Alafs*14) in the RECQL4 gene. It is expected to result in an absent or disrupted protein product. Loss-of-function variants in RECQL4 are known to be pathogenic (PMID: 12734318, 12952869). This variant is not present in population databases (gnomAD no frequency). This premature translational stop signal has been observed in individual(s) with Rothmund-Thomson syndrome (PMID: 28486640). ClinVar contains an entry for this variant (Variation ID: 1069365). For these reasons, this variant has been classified as Pathogenic.

Literature cited by the submitters: PubMed 12734318; PubMed 12952869; PubMed 28486640.

NM_004260.4(RECQL4):c.3284_3287dup (p.Ser1097fs)

Gene: RECQL4 (RecQ like helicase 4; minus strand). Cytogenetic location: 8q24.3.
Variant type: Duplication.
Coding change: c.3284_3287dup on transcript NM_004260.4 (MANE Select); coding-DNA positions 3284 to 3287, 4 bases duplicated (AGCG; older notation c.3284_3287dupAGCG).
Protein change: p.Ser1097fs; shifts the reading frame from serine 1097.
Molecular consequence: frameshift variant.
Genome position (GRCh38, 1-based): chr8:144,512,017-144,512,020, CGCT duplicated on the plus strand (AGCG on the coding strand, the reverse complement: RECQL4 is on the minus strand); duplicating any 4 consecutive bases within chr8:144,512,017-144,512,021 gives the same sequence; the c. name uses the placement nearest the transcript's 3' end. VCF-style (leftmost placement, unchanged base first): chr8-144512016-G-GCGCT. GRCh37 (hg19) VCF-style: chr8-145737399-G-GCGCT.
Other names: short protein forms S1097fs.
Identifiers: ClinVar variation 1069365 (VCV001069365.5), dbSNP rs1827314465, ClinGen allele CA1826365541.
Genomic context (GRCh38, chr8:144,512,016, plus strand): 5'-CGGCTCCTGCCCTTCCTCTTCCTCAAAGTAGCGGCCGAGCAGGTCCTTGAGCCTGGTGCT[G>GCGCT]CGCTCCTCATCCTGCTGCTCCAGGCAGGGCCCGCAGCTGGGGAAGGCTACGCTGTGGGGA-3'